The following is an entry in ClinVar:

ClinVar aggregate classification (germline): Conflicting classifications of pathogenicity. Review status: criteria provided, conflicting classifications (1 of 4 stars). 16 submissions from 16 submitters: Likely pathogenic (1); Uncertain significance (10); Likely benign (1). 4 of the submissions do not count toward it. Last evaluated 2026-08-06.

Conditions:
PMM2-congenital disorder of glycosylation. Also called: Congenital disorder of glycosylation, type Ia; PMM2-CDG; CARBOHYDRATE-DEFICIENT GLYCOPROTEIN SYNDROME, TYPE Ia; CDG Ia; PHOSPHOMANNOMUTASE 2 DEFICIENCY; JAEKEN SYNDROME. Identifiers: Orphanet 79318, MedGen C0349653, MONDO:0008907, OMIM 212065.

Allele frequency attached by ClinVar (database versions not stated): gnomAD 0.00035; TOPMed 0.00048; ESP Exome Variant Server 0.00085.
gnomAD v4.1: 649 of 1,613,530 alleles (0.04%); highest among the groups gnomAD compares: Middle Eastern, 0.16%; 2 homozygotes.

Submissions (16):

GeneDx
Classification: Uncertain significance. Last evaluated: 2026-08-06. Review status: criteria provided, single submitter. Criteria: GeneDx Variant Classification Process June 2021. Collection method: clinical testing. Allele origin: germline.
Comment: In silico analysis supports that this missense variant has a deleterious effect on protein structure/function; This variant is associated with the following publications: (PMID: 9497260, 37372416, 25681648, 10066032, 27231023, 36099812, 34652821, 37224763, 34132027, 40225925, 40121796, 42212615)

CeGaT Center for Human Genetics Tuebingen
Classification: Uncertain significance. Last evaluated: 2026-07-01. Review status: criteria provided, single submitter. Criteria: CeGaT Center For Human Genetics Tuebingen Variant Classification Criteria Version 2. Collection method: clinical testing. Allele origin: germline. Affected: yes. Observed: 1 variant allele.
Comment: PMM2: PM5

Women's Health and Genetics/Laboratory Corporation of America, LabCorp
Classification: Uncertain significance. Last evaluated: 2026-04-14. Review status: criteria provided, single submitter. Criteria: LabCorp Variant Classification Summary - May 2015. Collection method: clinical testing. Allele origin: germline.
Comment: Variant summary: PMM2 c.713G>A (p.Arg238His) results in a non-conservative amino acid change in the encoded protein sequence. Algorithms developed to predict the effect of missense changes on protein structure and function are either unavailable or do not agree on the potential impact of this missense change. The variant allele was found at a frequency of 0.0004 in 1613530 control chromosomes, predominantly at a frequency of 0.0053 within the Ashkenazi Jewish subpopulation in the gnomAD database. This frequency is not significantly higher than estimated for disease-causing variants in PMM2, allowing no conclusion about variant significance. c.713G>A has been reported in the literature in at least an individual affected with Congenital Disorder of Glycosylation Type 1a (Lam_2024). These data do not allow any conclusion about variant significance. To our knowledge, no experimental evidence demonstrating an impact on protein function has been reported. The following publications have been ascertained in the context of this evaluation (PMID: 27231023, 34132027, 34652821, 36099812, 37372416, 38959600). ClinVar contains an entry for this variant (Variation ID: 198714). Based on the evidence outlined above, the variant was classified as VUS-possibly benign.

Labcorp Genetics (formerly Invitae), Labcorp
Classification: Likely benign for PMM2-congenital disorder of glycosylation. Last evaluated: 2026-02-02. Review status: criteria provided, single submitter. Criteria: Invitae Variant Classification Sherloc (09022015). Collection method: clinical testing. Allele origin: germline.

Mayo Clinic Laboratories, Mayo Clinic
Classification: Uncertain significance. Last evaluated: 2025-08-18. Review status: criteria provided, single submitter. Criteria: ACMG Guidelines, 2015. Collection method: clinical testing. Allele origin: germline. Observed: 2 variant alleles.
Comment: PM3, PM5

Blueprint Genetics
Classification: Uncertain significance. Last evaluated: 2024-11-26. Review status: criteria provided, single submitter. Criteria: ACMG Guidelines, 2015. Collection method: clinical testing. Allele origin: germline.

Department of Pathology and Laboratory Medicine, Sinai Health System
Classification: Uncertain significance for PMM2-congenital disorder of glycosylation. Last evaluated: 2023-08-29. Review status: criteria provided, single submitter. Criteria: ACMG Guidelines, 2015. Collection method: research. Allele origin: germline.

Morava/Kozicz Lab, Department of Clinical Genomics, Mayo Clinic
Classification: Likely pathogenic for PMM2-congenital disorder of glycosylation. Last evaluated: 2022-03-18. Review status: criteria provided, single submitter. Criteria: ACMG Guidelines, 2015. Collection method: clinical testing. Allele origin: inherited. Inheritance: Autosomal recessive inheritance. Affected: yes. Observed: 1 compound heterozygote.
Comment: Missense variants in nearby residues reported in the HGMD in individuals with PMM2-CD (Stenson et al, 2014) (PM1). The mode of inheritance is in line with previous reports (AR). The majority of missense variants in this gene are considered pathogenic (Stenson et al 2014). In silico analysis, which includes protein predictors and evolutionary conservation supports a deleterious effect (PP3). Observed in 0.0549 % (155/282362 alleles) in large population cohorts (Lek et al, 2016). Phenotype of the patient is in line with previously described PMM2-CDG patients (PP4). Other clinical tests stronly support PMM2-CDG diagnosis and indicate the variant is pathogenic. According to the guidelines of ACMG we classify this variant as likely pathogenic (2 PM and 2 PP).

Fulgent Genetics
Classification: Uncertain significance for PMM2-congenital disorder of glycosylation. Last evaluated: 2018-10-31. Review status: criteria provided, single submitter. Criteria: ACMG Guidelines, 2015. Collection method: clinical testing. Allele origin: unknown.

Center for Pediatric Genomic Medicine, Children's Mercy Hospital and Clinics
Classification: Uncertain significance. Last evaluated: 2017-08-23. Review status: criteria provided, single submitter. Criteria: ACMG Guidelines, 2015. Collection method: clinical testing. Allele origin: germline.

Illumina Laboratory Services, Illumina
Classification: Uncertain significance for PMM2-congenital disorder of glycosylation. Last evaluated: 2017-04-27. Review status: criteria provided, single submitter. Criteria: ICSL Variant Classification Criteria 13 December 2019. Collection method: clinical testing. Allele origin: germline.

Eurofins Ntd Llc (ga)
Classification: Uncertain significance. Last evaluated: 2015-08-24. Review status: criteria provided, single submitter. Criteria: EGL Classification Definitions 2015. Collection method: clinical testing. Allele origin: germline. Observed: 3 variant alleles, 3 heterozygotes.

Natera, Inc.
Classification: Likely benign for Congenital disorder of glycosylation type 1a. Last evaluated: 2020-04-17. Review status: no assertion criteria provided. Collection method: clinical testing. Allele origin: germline. Not counted in ClinVar's aggregate classification.

Clinical Genetics DNA and cytogenetics Diagnostics Lab, Erasmus MC, Erasmus Medical Center
Classification: Uncertain significance. Review status: no assertion criteria provided. Collection method: clinical testing. Allele origin: germline. Affected: yes. Study: VKGL Data-share Consensus. Not counted in ClinVar's aggregate classification.

Clinical Genetics, Academic Medical Center
Classification: Uncertain significance. Review status: no assertion criteria provided. Collection method: clinical testing. Allele origin: germline. Affected: yes. Study: VKGL Data-share Consensus. Not counted in ClinVar's aggregate classification.

Joint Genome Diagnostic Labs from Nijmegen and Maastricht, Radboudumc and MUMC+
Classification: Uncertain significance. Review status: no assertion criteria provided. Collection method: clinical testing. Allele origin: germline. Affected: yes. Study: VKGL Data-share Consensus. Not counted in ClinVar's aggregate classification.

Literature cited by the submitters: PubMed 27231023 (cited by Women's Health and Genetics/Laboratory Corporation of America, LabCorp and Mayo Clinic Laboratories, Mayo Clinic); PubMed 34132027 (cited by Women's Health and Genetics/Laboratory Corporation of America, LabCorp and Mayo Clinic Laboratories, Mayo Clinic); PubMed 34652821 (cited by 3 submitters); PubMed 36099812 (cited by Women's Health and Genetics/Laboratory Corporation of America, LabCorp and Mayo Clinic Laboratories, Mayo Clinic); PubMed 38959600 (cited by Women's Health and Genetics/Laboratory Corporation of America, LabCorp and Mayo Clinic Laboratories, Mayo Clinic); PubMed 37372416 (cited by Women's Health and Genetics/Laboratory Corporation of America, LabCorp and Mayo Clinic Laboratories, Mayo Clinic); PubMed 10066032 (cited by Mayo Clinic Laboratories, Mayo Clinic); PubMed 25681648 (cited by Mayo Clinic Laboratories, Mayo Clinic); PubMed 37224763 (cited by Mayo Clinic Laboratories, Mayo Clinic); PubMed 40121796 (cited by Mayo Clinic Laboratories, Mayo Clinic); PubMed 40225925 (cited by Mayo Clinic Laboratories, Mayo Clinic); PubMed 9497260 (cited by Mayo Clinic Laboratories, Mayo Clinic).

NM_000303.3(PMM2):c.713G>A (p.Arg238His)

Gene: PMM2 (phosphomannomutase 2; plus strand). Cytogenetic location: 16p13.2.
Variant type: single nucleotide variant.
Coding change: c.713G>A on transcript NM_000303.3 (MANE Select); coding-DNA position 713, G replaced by A.
Protein change: p.Arg238His; replaces arginine 238 with histidine.
Molecular consequence: missense variant.
Genome position (GRCh38, 1-based): chr16:8,847,797, G>A. VCF-style: chr16-8847797-G-A. GRCh37 (hg19) VCF-style: chr16-8941654-G-A.
Other names: p.Arg238His; short protein forms R238H.
Identifiers: ClinVar variation 198714 (VCV000198714.48), dbSNP rs151319324, ClinGen allele CA247511.